The following is an entry in ClinVar:

ClinVar aggregate classification (germline): Benign (1 of 4 stars; one submission).

Conditions:
Colorectal cancer, susceptibility to, 1. Also called: COLORECTAL ADENOMA AND CANCER, SUSCEPTIBILITY TO; COLORECTAL CANCER, SUSCEPTIBILITY TO, ON CHROMOSOME 9. Identifiers: MedGen C1837315, MONDO:0012132, OMIM 608812.

Submission:

Myriad Genetics, Inc.
Classification: Benign for Colorectal cancer, susceptibility to, 1. Last evaluated: 2026-04-27. Review status: criteria provided, single submitter. Criteria: Myriad Autosomal Dominant, Autosomal Recessive and X-Linked Classification Criteria (2023). Collection method: clinical testing. Allele origin: unknown.
Comment: This variant is considered benign. This variant is a silent/synonymous amino acid change and it is not expected to impact splicing.

NM_024642.5(GALNT12):c.1665G>T (p.Ser555=)

Gene: GALNT12 (polypeptide N-acetylgalactosaminyltransferase 12; plus strand). Cytogenetic location: 9q22.33.
Variant type: single nucleotide variant.
Coding change: c.1665G>T on transcript NM_024642.5 (MANE Select); coding-DNA position 1665, G replaced by T.
Protein change: p.Ser555=; no amino-acid change (serine 555 retained).
Molecular consequence: synonymous variant.
Genome position (GRCh38, 1-based): chr9:98,849,011, G>T. VCF-style: chr9-98849011-G-T. GRCh37 (hg19) VCF-style: chr9-101611293-G-T.
Identifiers: ClinVar variation 4876122 (VCV004876122.1).